The following is an entry in ClinVar:

NM_005654.6(NR2F1):c.1024G>A (p.Glu342Lys)

Gene: NR2F1 (nuclear receptor subfamily 2 group F member 1; plus strand). Cytogenetic location: 5q15.
Variant type: single nucleotide variant.
Coding change: c.1024G>A on transcript NM_005654.6 (MANE Select); coding-DNA position 1024, G replaced by A.
Protein change: p.Glu342Lys; replaces glutamic acid 342 with lysine.
Molecular consequence: missense variant.
Genome position (GRCh38, 1-based): chr5:93,593,594, G>A. VCF-style: chr5-93593594-G-A. GRCh37 (hg19) VCF-style: chr5-92929300-G-A.
Other names: short protein forms E342K.
Identifiers: ClinVar variation 1209564 (VCV001209564.42), dbSNP rs2149946003, ClinGen allele CA360527621.

ClinVar aggregate classification (germline): Conflicting classifications of pathogenicity. Review status: criteria provided, conflicting classifications (1 of 4 stars). 5 submissions from 5 submitters: Pathogenic (1); Likely pathogenic (3); Uncertain significance (1). Last evaluated 2025-07-07.

Conditions:
NR2F1-related disorder. Also called: NR2F1-related condition.
Bosch-Boonstra-Schaaf optic atrophy syndrome (BBSOAS). Also called: NR2F1-Related Neurodevelopmental Disorder. Identifiers: Orphanet 401777, MedGen C3810363, MONDO:0014320, OMIM 615722.

gnomAD v4.1: 1 of 1,613,796 alleles (0.000062%); highest among the groups gnomAD compares: Non-Finnish European, 0.000085%; no homozygotes.

Submissions (5):

GeneDx
Classification: Pathogenic. Last evaluated: 2025-07-07. Review status: criteria provided, single submitter. Criteria: GeneDx Variant Classification Process June 2021. Collection method: clinical testing. Allele origin: germline. Affected: yes.
Comment: Not observed at significant frequency in large population cohorts (gnomAD); In silico analysis supports that this missense variant has a deleterious effect on protein structure/function; This variant is associated with the following publications: (PMID: 26986877, 34466801)

Labcorp Genetics (formerly Invitae), Labcorp
Classification: Uncertain significance. Last evaluated: 2023-09-21. Review status: criteria provided, single submitter. Criteria: Invitae Variant Classification Sherloc (09022015). Collection method: clinical testing. Allele origin: germline.
Comment: ClinVar contains an entry for this variant (Variation ID: 1209564). This missense change has been observed in individual(s) with clinical features of NR2F1-related conditions (PMID: 34466801). In at least one individual the variant was observed to be de novo. This variant is not present in population databases (gnomAD no frequency). This sequence change replaces glutamic acid, which is acidic and polar, with lysine, which is basic and polar, at codon 342 of the NR2F1 protein (p.Glu342Lys). Advanced modeling of protein sequence and biophysical properties (such as structural, functional, and spatial information, amino acid conservation, physicochemical variation, residue mobility, and thermodynamic stability) has been performed at Invitae for this missense variant, however the output from this modeling did not meet the statistical confidence thresholds required to predict the impact of this variant on NR2F1 protein function. In summary, the available evidence is currently insufficient to determine the role of this variant in disease. Therefore, it has been classified as a Variant of Uncertain Significance.

Blueprint Genetics
Classification: Likely pathogenic for NR2F1-related disorders. Last evaluated: 2023-07-18. Review status: criteria provided, single submitter. Criteria: ACMG Guidelines, 2015. Collection method: clinical testing. Allele origin: germline. Affected: yes. Observed: 1 variant allele.

CeGaT Center for Human Genetics Tuebingen
Classification: Likely pathogenic. Last evaluated: 2023-03-01. Review status: criteria provided, single submitter. Criteria: CeGaT Center For Human Genetics Tuebingen Variant Classification Criteria Version 2. Collection method: clinical testing. Allele origin: germline. Affected: yes. Observed: 1 variant allele.
Comment: NR2F1: PM1, PM2, PS2:Moderate, PP2

Genetics Laboratory, UDIAT-Centre Diagnòstic, Hospital Universitari Parc Tauli
Classification: Likely pathogenic for Bosch-Boonstra-Schaaf optic atrophy syndrome. Last evaluated: 2022-10-04. Review status: criteria provided, single submitter. Criteria: Parc Tauli Hospital Assertion Criteria 2021. Collection method: clinical testing. Allele origin: de novo. Inheritance: Autosomal dominant inheritance. Affected: yes.
Comment: PM1;PM2_supporting;PM6;PP2;PP3

Literature cited by the submitters: PubMed 34466801 (cited by Labcorp Genetics (formerly Invitae), Labcorp).